The following is an entry in ClinVar:

NM_000146.4(FTL):c.463C>T (p.Leu155=)

Gene: FTL (ferritin light chain; plus strand). Cytogenetic location: 19q13.33.
Variant type: single nucleotide variant.
Coding change: c.463C>T on transcript NM_000146.4 (MANE Select); coding-DNA position 463, C replaced by T.
Protein change: p.Leu155=; no amino-acid change (leucine 155 retained).
Molecular consequence: synonymous variant.
Genome position (GRCh38, 1-based): chr19:48,966,670, C>T. VCF-style: chr19-48966670-C-T. GRCh37 (hg19) VCF-style: chr19-49469927-C-T.
Identifiers: ClinVar variation 1907756 (VCV001907756.18), dbSNP rs753342915, ClinGen allele CA9562581.

ClinVar aggregate classification (germline): Likely benign. Review status: criteria provided, multiple submitters, no conflicts (2 of 4 stars). 2 submissions from 2 submitters: Likely benign (2). Last evaluated 2025-03-17.

Conditions:
Hereditary hyperferritinemia with congenital cataracts. Also called: HYPERFERRITINEMIA WITH OR WITHOUT CATARACT; Hereditary hyperferritinemia cataract syndrome; Bonneau-Beaumont syndrome. Identifiers: Orphanet 163, MedGen C1833213, MONDO:0010952, OMIM 600886.
Neuroferritinopathy (NBIA3). Also called: NEURODEGENERATION WITH BRAIN IRON ACCUMULATION 3; BASAL GANGLIA DISEASE, ADULT-ONSET. Identifiers: Orphanet 157846, MedGen C1853578, MONDO:0011638, OMIM 606159.

Allele frequency attached by ClinVar (database versions not stated): TOPMed below 0.00001; ExAC 0.00001; gnomAD 0.00001; gnomAD exomes 0.00001.
gnomAD v4.1: 11 of 1,613,740 alleles (0.00068%); highest among the groups gnomAD compares: Non-Finnish European, 0.00076%; no homozygotes.

Submissions (2):

Labcorp Genetics (formerly Invitae), Labcorp
Classification: Likely benign for Neuroferritinopathy; Hereditary hyperferritinemia with congenital cataracts. Last evaluated: 2025-03-17. Review status: criteria provided, single submitter. Criteria: Invitae Variant Classification Sherloc (09022015). Collection method: clinical testing. Allele origin: germline.

CeGaT Center for Human Genetics Tuebingen
Classification: Likely benign. Last evaluated: 2025-01-01. Review status: criteria provided, single submitter. Criteria: CeGaT Center For Human Genetics Tuebingen Variant Classification Criteria Version 2. Collection method: clinical testing. Allele origin: germline. Affected: yes. Observed: 1 variant allele.
Comment: FTL: BP4, BP7